The following is an entry in ClinVar:

NM_003664.5(AP3B1):c.292G>A (p.Val98Ile)

Gene: AP3B1 (adaptor related protein complex 3 subunit beta 1; minus strand). Cytogenetic location: 5q14.1.
Variant type: single nucleotide variant.
Coding change: c.292G>A on transcript NM_003664.5 (MANE Select); coding-DNA position 292, G replaced by A.
Protein change: p.Val98Ile; replaces valine 98 with isoleucine.
Molecular consequence: missense variant.
Genome position (GRCh38, 1-based): chr5:78,228,227, C>T on the plus strand (G>A on the coding strand, the complement: AP3B1 is on the minus strand). VCF-style: chr5-78228227-C-T. GRCh37 (hg19) VCF-style: chr5-77524051-C-T.
Other names: c.292G>A (NM_003664.3); c.145G>A, p.Val49Ile (NM_001271769.2); short protein forms V49I, V98I.
Identifiers: ClinVar variation 1042880 (VCV001042880.7), dbSNP rs780459865, ClinGen allele CA3317396.

ClinVar aggregate classification (germline): Uncertain significance. Review status: criteria provided, multiple submitters, no conflicts (2 of 4 stars). 2 submissions from 2 submitters: Uncertain significance (2). Last evaluated 2025-05-19.

Conditions:
Hermansky-Pudlak syndrome 2 (HPS2). Also called: Platelet defects and oculocutaneous albinism. Identifiers: Orphanet 183678, Orphanet 79430, MedGen C1842362, MONDO:0011997, OMIM 608233.
Inborn genetic diseases. Identifiers: MedGen C0950123, MeSH D030342.

Allele frequency attached by ClinVar (database versions not stated): gnomAD 0.00001; gnomAD exomes 0.00001 and 0.00009; TOPMed 0.00003; ExAC 0.00008.

Submissions (2):

Labcorp Genetics (formerly Invitae), Labcorp
Classification: Uncertain significance for Hermansky-Pudlak syndrome 2. Last evaluated: 2025-05-19. Review status: criteria provided, single submitter. Criteria: Invitae Variant Classification Sherloc (09022015). Collection method: clinical testing. Allele origin: germline.
Comment: This sequence change replaces valine, which is neutral and non-polar, with isoleucine, which is neutral and non-polar, at codon 98 of the AP3B1 protein (p.Val98Ile). This variant is present in population databases (rs780459865, gnomAD 0.1%). This variant has not been reported in the literature in individuals affected with AP3B1-related conditions. ClinVar contains an entry for this variant (Variation ID: 1042880). An algorithm developed to predict the effect of missense changes on protein structure and function (PolyPhen-2) suggests that this variant is likely to be disruptive. In summary, the available evidence is currently insufficient to determine the role of this variant in disease. Therefore, it has been classified as a Variant of Uncertain Significance.

Ambry Genetics
Classification: Uncertain significance for Inborn genetic diseases. Last evaluated: 2023-12-04. Review status: criteria provided, single submitter. Criteria: Ambry Variant Classification Scheme 2023. Collection method: clinical testing. Allele origin: germline.